The following is an entry in ClinVar:

NM_017841.4(SDHAF2):c.471T>C (p.Asp157=)

Gene: SDHAF2 (succinate dehydrogenase complex assembly factor 2; plus strand). Cytogenetic location: 11q12.2.
Variant type: single nucleotide variant.
Coding change: c.471T>C on transcript NM_017841.4 (MANE Select); coding-DNA position 471, T replaced by C.
Protein change: p.Asp157=; no amino-acid change (aspartic acid 157 retained).
Molecular consequence: synonymous variant.
Genome position (GRCh38, 1-based): chr11:61,446,041, T>C. VCF-style: chr11-61446041-T-C. GRCh37 (hg19) VCF-style: chr11-61213513-T-C.
Identifiers: ClinVar variation 2914702 (VCV002914702.4), dbSNP rs2540133136, ClinGen allele CA474523573.

ClinVar aggregate classification (germline): Benign/Likely benign. Review status: criteria provided, multiple submitters, no conflicts (2 of 4 stars). 2 submissions from 2 submitters: Benign (1); Likely benign (1). Last evaluated 2026-08-05.

Conditions:
Pheochromocytoma/paraganglioma syndrome 2. Also called: SDHAF2-Related Hereditary Paraganglioma-Pheochromocytoma Syndrome; GLOMUS TUMORS, FAMILIAL, 2; Paragangliomas 2; SDHAF2-Related Hereditary Paraganglioma-Pheochromocytoma Syndrome (Paragangliomas 2). Identifiers: Orphanet 29072, MedGen C1866552, MONDO:0011121, OMIM 601650.
Hereditary pheochromocytoma and paraganglioma. Also called: Hereditary paragangliomas and pheochromocytomas; Hereditary Paraganglioma-Pheochromocytoma Syndromes; Hereditary pheochromocytoma-paraganglioma. Identifiers: Orphanet 29072, MedGen C4274332, MONDO:0017366.

Allele frequency attached by ClinVar (database versions not stated): gnomAD exomes below 0.00001.
gnomAD v4.1: 1 of 1,614,206 alleles (0.000062%); highest among the groups gnomAD compares: Non-Finnish European, 0.000085%; no homozygotes.

Submissions (2):

Myriad Genetics, Inc.
Classification: Benign for Pheochromocytoma/paraganglioma syndrome 2. Last evaluated: 2026-08-05. Review status: criteria provided, single submitter. Criteria: Myriad Autosomal Dominant, Autosomal Recessive and X-Linked Classification Criteria (2023). Collection method: clinical testing. Allele origin: unknown.
Comment: This variant is considered benign. This variant is a silent/synonymous amino acid change and it is not expected to impact splicing.

Labcorp Genetics (formerly Invitae), Labcorp
Classification: Likely benign for Hereditary pheochromocytoma and paraganglioma. Last evaluated: 2025-10-04. Review status: criteria provided, single submitter. Criteria: Invitae Variant Classification Sherloc (09022015). Collection method: clinical testing. Allele origin: germline.